The following is an entry in ClinVar:

ClinVar aggregate classification (germline): Uncertain significance (1 of 4 stars; one submission).

Allele frequency attached by ClinVar (database versions not stated): gnomAD exomes below 0.00001.
gnomAD v4.1: 1 of 1,604,628 alleles (0.000062%); highest among the groups gnomAD compares: Non-Finnish European, 0.000085%; no homozygotes.

Submission:

CeGaT Center for Human Genetics Tuebingen
Classification: Uncertain significance. Last evaluated: 2023-09-01. Review status: criteria provided, single submitter. Criteria: CeGaT Center For Human Genetics Tuebingen Variant Classification Criteria Version 2. Collection method: clinical testing. Allele origin: germline. Affected: yes. Observed: 1 variant allele.
Comment: PIK3R2: PM2

NM_005027.4(PIK3R2):c.1715A>G (p.Lys572Arg)

Gene: PIK3R2 (phosphoinositide-3-kinase regulatory subunit 2; plus strand). Cytogenetic location: 19p13.11.
Variant type: single nucleotide variant.
Coding change: c.1715A>G on transcript NM_005027.4 (MANE Select); coding-DNA position 1715, A replaced by G.
Protein change: p.Lys572Arg; replaces lysine 572 with arginine.
Molecular consequence: missense variant. On other transcripts: non-coding transcript variant (2).
Genome position (GRCh38, 1-based): chr19:18,167,285, A>G. VCF-style: chr19-18167285-A-G. GRCh37 (hg19) VCF-style: chr19-18278095-A-G.
Other names: short protein forms K572R.
Identifiers: ClinVar variation 2649570 (VCV002649570.24), dbSNP rs2147957936, ClinGen allele CA404814410.
Genomic context (GRCh38, chr19:18,167,285, plus strand): 5'-ACAACAGAGAGATCGACAAGCGCATGAACAGCCTCAAGCCGGACCTCATGCAGCTGCGCA[A>G]GATCCGAGACCAGTACCTCGTGTAAGTGGCGGCTCCATACTTCCCTGCGGCTCCCTGGCG-3'
Protein context (NP_005018.2, residues 562-582): SLKPDLMQLR[Lys572Arg]IRDQYLVWLT